The following is an entry in ClinVar:

NM_194248.3(OTOF):c.5450G>A (p.Trp1817Ter)

Gene: OTOF (otoferlin; minus strand). Cytogenetic location: 2p23.3.
Variant type: single nucleotide variant.
Coding change: c.5450G>A on transcript NM_194248.3 (MANE Select); coding-DNA position 5450, G replaced by A.
Protein change: p.Trp1817Ter; replaces tryptophan 1817 with a stop codon.
Molecular consequence: nonsense.
Genome position (GRCh38, 1-based): chr2:26,461,779, C>T on the plus strand (G>A on the coding strand, the complement: OTOF is on the minus strand). VCF-style: chr2-26461779-C-T. GRCh37 (hg19) VCF-style: chr2-26684647-C-T.
Other names: c.5450G>A, p.Trp1817Ter (NM_001287489.2); c.3149G>A, p.Trp1050Ter (NM_004802.4, NM_194323.3); c.3380G>A, p.Trp1127Ter (NM_194322.3); short protein forms W1050*, W1127*, W1817*.
Identifiers: ClinVar variation 2683880 (VCV002683880.2), dbSNP rs779969253, ClinGen allele CA1562824.
Genomic context (GRCh38, chr2:26,461,779, plus strand): 5'-TGGTCCGCATCCCAGATCTGCAGGGTGAGCCGCGCGGGGATCTTGTACTCGGTCTCGTCC[C>T]AGGAGAACATGGACTCCTTCTTGGAGATGACGATCTTCTCCTCCGCCGCCAGGTAGTCGA-3'

ClinVar aggregate classification (germline): Pathogenic. Review status: criteria provided, single submitter (1 of 4 stars). 2 submissions from 2 submitters: Pathogenic (1). 1 of the submissions does not count toward it. Last evaluated 2023-12-22.

Conditions:
Auditory neuropathy. Identifiers: MedGen C1852271, MONDO:0021944.
Autosomal recessive nonsyndromic hearing loss 9. Also called: NEUROSENSORY NONSYNDROMIC RECESSIVE DEAFNESS 9; OTOF-Related Hearing Loss; Deafness, autosomal recessive 9; AUDITORY NEUROPATHY, AUTOSOMAL RECESSIVE, 1, TEMPERATURE-SENSITIVE. Identifiers: Orphanet 90636, MedGen C1832828, MONDO:0010986, OMIM 601071.

Allele frequency attached by ClinVar (database versions not stated): ExAC 0.00001; gnomAD exomes below 0.00001.
gnomAD v4.1: 1 of 1,614,198 alleles (0.000062%); highest among the groups gnomAD compares: Non-Finnish European, 0.000085%; no homozygotes.

Submissions (2):

WangQJ Lab, Chinese People's Liberation Army General Hospital
Classification: Pathogenic for Auditory neuropathy. Last evaluated: 2023-12-22. Review status: criteria provided, single submitter. Criteria: Submitter's publication. Collection method: research. Allele origin: germline. Affected: yes. Observed: 2 variant alleles.

Diagnosis and Treatment Center of Genetic Hearing Loss, Eye & ENT Hospital of Fudan University
Classification: Pathogenic for Autosomal recessive nonsyndromic hearing loss 9. Last evaluated: 2026-02-04. Review status: no assertion criteria provided. Collection method: clinical testing. Allele origin: germline. Inheritance: Autosomal recessive inheritance. Affected: yes. Not counted in ClinVar's aggregate classification.
Comment: The c.5450G>A nonsense variant in OTOF leads to a premature stop codon and predicted NMD (PVS1). The population frequency is 0.000004 (PM2_Supporting). It was reported in one patient in trans with pathogenic c.5000C>A (PM3; PMID: 34416374).

Literature cited by the submitters: PubMed 34416374 (cited by Diagnosis and Treatment Center of Genetic Hearing Loss, Eye & ENT Hospital of Fudan University).